The following is an entry in ClinVar:

NM_004281.4(BAG3):c.1250C>A (p.Pro417Gln)

Gene: BAG3 (BAG cochaperone 3; plus strand). Cytogenetic location: 10q26.11.
Variant type: single nucleotide variant.
Coding change: c.1250C>A on transcript NM_004281.4 (MANE Select); coding-DNA position 1250, C replaced by A.
Protein change: p.Pro417Gln; replaces proline 417 with glutamine.
Molecular consequence: missense variant.
Genome position (GRCh38, 1-based): chr10:119,676,804, C>A. VCF-style: chr10-119676804-C-A. GRCh37 (hg19) VCF-style: chr10-121436316-C-A.
Other names: short protein forms P417Q.
Identifiers: ClinVar variation 971747 (VCV000971747.9), dbSNP rs751558069, ClinGen allele CA5716520.

ClinVar aggregate classification (germline): Uncertain significance (1 of 4 stars; one submission).

Conditions:
Dilated cardiomyopathy 1HH (CMD1HH). Identifiers: Orphanet 154, MedGen C3151293, MONDO:0013479, OMIM 613881.
Myofibrillar myopathy 6. Identifiers: Orphanet 199340, MedGen C2751831, MONDO:0013061, OMIM 612954.

Allele frequency attached by ClinVar (database versions not stated): TOPMed below 0.00001; gnomAD 0.00001.
gnomAD v4.1: 2 of 1,614,056 alleles (0.00012%); highest among the groups gnomAD compares: East Asian, 0.0022%; no homozygotes.

Submission:

Labcorp Genetics (formerly Invitae), Labcorp
Classification: Uncertain significance for Dilated cardiomyopathy 1HH; Myofibrillar myopathy 6. Last evaluated: 2025-03-16. Review status: criteria provided, single submitter. Criteria: Invitae Variant Classification Sherloc (09022015). Collection method: clinical testing. Allele origin: germline.
Comment: This sequence change replaces proline, which is neutral and non-polar, with glutamine, which is neutral and polar, at codon 417 of the BAG3 protein (p.Pro417Gln). This variant is present in population databases (rs751558069, gnomAD 0.02%). This variant has not been reported in the literature in individuals affected with BAG3-related conditions. ClinVar contains an entry for this variant (Variation ID: 971747). Invitae Evidence Modeling of protein sequence and biophysical properties (such as structural, functional, and spatial information, amino acid conservation, physicochemical variation, residue mobility, and thermodynamic stability) indicates that this missense variant is not expected to disrupt BAG3 protein function with a negative predictive value of 80%. In summary, the available evidence is currently insufficient to determine the role of this variant in disease. Therefore, it has been classified as a Variant of Uncertain Significance.